The following is an entry in ClinVar:

NM_001127392.3(MYRF):c.3431del (p.Phe1144fs)

Gene: MYRF (myelin regulatory factor; plus strand). Cytogenetic location: 11q12.2.
Variant type: Deletion.
Coding change: c.3431del on transcript NM_001127392.3 (MANE Select); coding-DNA position 3431, one base deleted (T; older notation c.3431delT).
Protein change: p.Phe1144fs; shifts the reading frame from phenylalanine 1144.
Molecular consequence: frameshift variant.
Genome position (GRCh38, 1-based): chr11:61,786,118, T deleted; the last of 2 consecutive T bases (chr11:61,786,117-61,786,118); deleting either gives the same sequence. VCF-style (leftmost placement, unchanged base first): chr11-61786116-CT-C. GRCh37 (hg19) VCF-style: chr11-61553588-CT-C.
Other names: c.3311del, p.Phe1104fs (NM_013279.4); short protein forms F1104fs, F1144fs.
Identifiers: ClinVar variation 2663707 (VCV002663707.1), dbSNP rs2541042312, ClinGen allele CA2579754024.
Genomic context (GRCh38, chr11:61,786,116, plus strand): 5'-CACCCAGGGTCAGGCCAACTGCAGTTCAGAGGCTCTCGCCCAGCCAGCCACAGACTACCA[CT>C]TCCACTTCTACCGCCTGTGTGACTGAGCTGCCCTCCTGAGGCAGCACCACACCAGGGACC-3'

ClinVar aggregate classification (germline): Uncertain significance (1 of 4 stars; one submission).

Submission:

GeneDx
Classification: Uncertain significance. Last evaluated: 2023-04-10. Review status: criteria provided, single submitter. Criteria: GeneDx Variant Classification Process June 2021. Collection method: clinical testing. Allele origin: germline. Affected: yes.
Comment: Frameshift variant predicted to result in the last 8 amino acids being replaced with 12 different amino acids, although loss-of-function variants have not been reported downstream of this position in the protein; Not observed at significant frequency in large population cohorts (gnomAD); Has not been previously published as pathogenic or benign to our knowledge